The following is an entry in ClinVar:

NM_003482.4(KMT2D):c.5083G>T (p.Gly1695Cys)

Gene: KMT2D (lysine methyltransferase 2D; minus strand). Cytogenetic location: 12q13.12.
Variant type: single nucleotide variant.
Coding change: c.5083G>T on transcript NM_003482.4 (MANE Select); coding-DNA position 5083, G replaced by T.
Protein change: p.Gly1695Cys; replaces glycine 1695 with cysteine.
Molecular consequence: missense variant.
Genome position (GRCh38, 1-based): chr12:49,044,403, C>A on the plus strand (G>T on the coding strand, the complement: KMT2D is on the minus strand). VCF-style: chr12-49044403-C-A. GRCh37 (hg19) VCF-style: chr12-49438186-C-A.
Other names: short protein forms G1695C.
Identifiers: ClinVar variation 4807165 (VCV004807165.1).

ClinVar aggregate classification (germline): Uncertain significance (1 of 4 stars; one submission).

Conditions:
Kabuki syndrome. Also called: NIIKAWA-KUROKI SYNDROME; Kabuki make-up syndrome. Identifiers: Orphanet 2322, MedGen C0796004, MONDO:0016512.

Submission:

Labcorp Genetics (formerly Invitae), Labcorp
Classification: Uncertain significance for Kabuki syndrome. Last evaluated: 2025-05-18. Review status: criteria provided, single submitter. Criteria: Invitae Variant Classification Sherloc (09022015). Collection method: clinical testing. Allele origin: germline.
Comment: This sequence change replaces glycine, which is neutral and non-polar, with cysteine, which is neutral and slightly polar, at codon 1695 of the KMT2D protein (p.Gly1695Cys). This variant also falls at the last nucleotide of exon 20, which is part of the consensus splice site for this exon. This variant is not present in population databases (gnomAD no frequency). This variant has not been reported in the literature in individuals affected with KMT2D-related conditions. An algorithm developed to predict the effect of missense changes on protein structure and function (PolyPhen-2) suggests that this variant is likely to be disruptive. Variants that disrupt the consensus splice site are a relatively common cause of aberrant splicing (PMID: 17576681, 9536098). Algorithms developed to predict the effect of sequence changes on RNA splicing suggest that this variant may disrupt the consensus splice site. In summary, the available evidence is currently insufficient to determine the role of this variant in disease. Therefore, it has been classified as a Variant of Uncertain Significance.

Literature cited by the submitters: PubMed 17576681; PubMed 9536098.